The following is an entry in ClinVar:

ClinVar aggregate classification (germline): Uncertain significance (1 of 4 stars; one submission).

gnomAD v4.1: 1 of 1,249,092 alleles (0.00008%); highest among the groups gnomAD compares: Non-Finnish European, 0.0001%; no homozygotes.

Submission:

Labcorp Genetics (formerly Invitae), Labcorp
Classification: Uncertain significance. Last evaluated: 2025-09-11. Review status: criteria provided, single submitter. Criteria: Invitae Variant Classification Sherloc (09022015). Collection method: clinical testing. Allele origin: germline.
Comment: This sequence change replaces proline, which is neutral and non-polar, with glutamine, which is neutral and polar, at codon 82 of the PDE4D protein (p.Pro82Gln). This variant is not present in population databases (gnomAD no frequency). This variant has not been reported in the literature in individuals affected with PDE4D-related conditions. ClinVar contains an entry for this variant (Variation ID: 2003258). An algorithm developed to predict the effect of missense changes on protein structure and function (PolyPhen-2) suggests that this variant is likely to be tolerated. In summary, the available evidence is currently insufficient to determine the role of this variant in disease. Therefore, it has been classified as a Variant of Uncertain Significance.

NM_001104631.2(PDE4D):c.245C>A (p.Pro82Gln)

Gene: PDE4D (phosphodiesterase 4D; minus strand). Cytogenetic location: 5q12.1.
Variant type: single nucleotide variant.
Coding change: c.245C>A on transcript NM_001104631.2 (MANE Select); coding-DNA position 245, C replaced by A.
Protein change: p.Pro82Gln; replaces proline 82 with glutamine.
Molecular consequence: missense variant. On other transcripts: intron variant (5).
Genome position (GRCh38, 1-based): chr5:59,893,378, G>T on the plus strand (C>A on the coding strand, the complement: PDE4D is on the minus strand). VCF-style: chr5-59893378-G-T. GRCh37 (hg19) VCF-style: chr5-59189205-G-T.
Other names: c.272+95110C>A (NM_001364599.1, NM_001165899.2, NM_001364600.2); c.-240+95110C>A (NM_001349243.2); c.242+95110C>A (NM_001349241.2); short protein forms P82Q.
Identifiers: ClinVar variation 2003258 (VCV002003258.4), dbSNP rs1232706958, ClinGen allele CA359932782.